The following is an entry in ClinVar:

ClinVar aggregate classification (germline): Uncertain significance (1 of 4 stars; one submission).

Submission:

Labcorp Genetics (formerly Invitae), Labcorp
Classification: Uncertain significance. Last evaluated: 2025-05-28. Review status: criteria provided, single submitter. Criteria: Invitae Variant Classification Sherloc (09022015). Collection method: clinical testing. Allele origin: germline.
Comment: This sequence change replaces histidine, which is basic and polar, with leucine, which is neutral and non-polar, at codon 3145 of the TRRAP protein (p.His3145Leu). This variant is not present in population databases (gnomAD no frequency). This variant has not been reported in the literature in individuals affected with TRRAP-related conditions. Invitae Evidence Modeling of protein sequence and biophysical properties (such as structural, functional, and spatial information, amino acid conservation, physicochemical variation, residue mobility, and thermodynamic stability) indicates that this missense variant is not expected to disrupt TRRAP protein function with a negative predictive value of 80%. In summary, the available evidence is currently insufficient to determine the role of this variant in disease. Therefore, it has been classified as a Variant of Uncertain Significance.

NM_001375524.1(TRRAP):c.9509A>T (p.His3170Leu)

Gene: TRRAP (transformation/transcription domain associated protein; plus strand). Cytogenetic location: 7q22.1.
Variant type: single nucleotide variant.
Coding change: c.9509A>T on transcript NM_001375524.1 (MANE Select); coding-DNA position 9509, A replaced by T.
Protein change: p.His3170Leu; replaces histidine 3170 with leucine.
Molecular consequence: missense variant.
Genome position (GRCh38, 1-based): chr7:98,988,884, A>T. VCF-style: chr7-98988884-A-T. GRCh37 (hg19) VCF-style: chr7-98586507-A-T.
Other names: c.9521A>T, p.His3174Leu (NM_001244580.2); c.9434A>T, p.His3145Leu (NM_003496.4); short protein forms H3145L, H3170L, H3174L.
Identifiers: ClinVar variation 4742227 (VCV004742227.1).